The following is an entry in ClinVar:

NM_006416.5(SLC35A1):c.-21G>A

Gene: SLC35A1 (solute carrier family 35 member A1; plus strand). Cytogenetic location: 6q15.
Variant type: single nucleotide variant.
Coding change: c.-21G>A on transcript NM_006416.5 (MANE Select); 21 bases upstream of the start codon, G replaced by A.
Molecular consequence: 5 prime UTR variant.
Genome position (GRCh38, 1-based): chr6:87,472,983, G>A. VCF-style: chr6-87472983-G-A. GRCh37 (hg19) VCF-style: chr6-88182701-G-A.
Other names: c.-21G>A (NM_001168398.2).
Identifiers: ClinVar variation 358214 (VCV000358214.1), dbSNP rs886061815, ClinGen allele CA10627809.

ClinVar aggregate classification (germline): Likely benign (1 of 4 stars; one submission).

Allele frequency attached by ClinVar (database versions not stated): gnomAD 0.00002; gnomAD exomes 0.00010 and 0.00015.
gnomAD v4.1: 52 of 665,816 alleles (0.0078%); highest among the groups gnomAD compares: Non-Finnish European, 0.011%; 1 homozygote.

Submission:

GeneDx
Classification: Likely benign. Last evaluated: 2016-10-18. Review status: criteria provided, single submitter. Criteria: GeneDx Variant Classification (06012015). Collection method: clinical testing. Allele origin: germline. Affected: yes.
Comment: This variant is considered likely benign or benign based on one or more of the following criteria: it is a conservative change, it occurs at a poorly conserved position in the protein, it is predicted to be benign by multiple in silico algorithms, and/or has population frequency not consistent with disease.